The following is an entry in ClinVar:

ClinVar aggregate classification (germline): Benign (3 of 4 stars; one submission).

Conditions:
Breast-ovarian cancer, familial, susceptibility to, 1 (BROVCA1). Also called: BRCA1 Hereditary Breast and Ovarian Cancer; OVARIAN CANCER, SUSCEPTIBILITY TO. Identifiers: Orphanet 145, MedGen C2676676, MONDO:0011450, OMIM 604370. Disease mechanism: loss of function.

Allele frequency attached by ClinVar (database versions not stated): gnomAD 0.00061 and 0.00088; TOPMed 0.00104; 1000 Genomes Project 30x 0.00453; 1000 Genomes Project 0.00519.
gnomAD v4.1: 133 of 152,200 alleles (0.087%); highest among the groups gnomAD compares: East Asian, 2.4%; no homozygotes.

Submission:

Evidence-based Network for the Interpretation of Germline Mutant Alleles (ENIGMA)
Classification: Benign for Breast-ovarian cancer, familial 1. Last evaluated: 2015-01-12. Review status: reviewed by expert panel. Criteria: ENIGMA BRCA1/2 Classification Criteria (2015). Collection method: curation. Allele origin: germline.
Comment: Class 1 not pathogenic based on frequency >1% in an outbred sampleset. Frequency 0.01748 (Asian), derived from 1000 genomes (2012-04-30).

NM_007294.4(BRCA1):c.4185+2361G>A

Gene: BRCA1 (BRCA1 DNA repair associated; minus strand). Cytogenetic location: 17q21.31.
Variant type: single nucleotide variant.
Coding change: c.4185+2361G>A on transcript NM_007294.4 (MANE Select); 2361 bases into the intron after coding-DNA position 4185, G replaced by A.
Molecular consequence: intron variant.
Genome position (GRCh38, 1-based): chr17:43,088,583, C>T on the plus strand (G>A on the coding strand, the complement: BRCA1 is on the minus strand). VCF-style: chr17-43088583-C-T. GRCh37 (hg19) VCF-style: chr17-41240600-C-T.
Other names: IVS 12+2361G>A; c.666+2361G>A (NM_001408484.1, NM_001408478.1, NM_001408514.1 and 9 more transcripts); c.3975+2361G>A (NM_001407907.1, NM_001407879.1, NM_001407902.1 and 13 more transcripts); c.750+2361G>A (NM_001408450.1, NM_001408434.1, NM_001408447.1 and 6 more transcripts); c.4059+2361G>A (NM_001407672.1, NM_001407690.1, NM_001407687.1 and 11 more transcripts); c.873+2361G>A (NM_001408398.1, NM_001407992.1, NM_001408400.1 and 13 more transcripts); c.4182+2361G>A (NM_001407629.1, NM_001407636.1, NM_001407612.1 and 22 more transcripts); c.753+2361G>A (NM_001408440.1, NM_001408428.1, NM_001408441.1 and 12 more transcripts); and 42 more.
Identifiers: ClinVar variation 209428 (VCV000209428.2), dbSNP rs147509580, ClinGen allele CA276400.
Genomic context (GRCh38, chr17:43,088,583, plus strand): 5'-CTTCAAGGTTCGTCCATGGATGATTTTTGTTTATCTGTATTTTCTAAGTTTTCTATGATG[C>T]ACATATATAACTTTATAAGAATATCAGGCTTTTCTCAACTTCATCTAATCTGACTTCAGA-3'